The following is an entry in ClinVar:

ClinVar aggregate classification (germline): Uncertain significance. Review status: criteria provided, multiple submitters, no conflicts (2 of 4 stars). 4 submissions from 3 submitters: Uncertain significance (4). Last evaluated 2022-06-04.

Conditions:
Severe combined immunodeficiency, autosomal recessive, T cell-negative, B cell-negative, NK cell-positive. Also called: Severe combined immunodeficiency due to complete RAG1/2 deficiency; SCID, T CELL-NEGATIVE, B CELL-NEGATIVE, NK CELL-POSITIVE; SCID, AR, T-cell negative, B-cell negative, NK cell-positive. Identifiers: Orphanet 331206, MedGen C1832322, MONDO:0011086, OMIM 601457.
Histiocytic medullary reticulosis. Also called: SEVERE COMBINED IMMUNODEFICIENCY WITH HYPEREOSINOPHILIA; Omenn syndrome. Identifiers: Orphanet 39041, MedGen C2700553, MONDO:0011338, OMIM 603554.
Combined immunodeficiency due to partial RAG1 deficiency. Identifiers: Orphanet 231154, MedGen C1835931, MONDO:0012359, OMIM 609889.
Combined immunodeficiency with skin granulomas. Identifiers: Orphanet 157949, MedGen C2673536, MONDO:0009306, OMIM 233650.

Allele frequency attached by ClinVar (database versions not stated): TOPMed 0.00002; gnomAD 0.00003 and 0.00004; gnomAD exomes 0.00003 and 0.00008; ESP Exome Variant Server 0.00008.
gnomAD v4.1: 114 of 1,614,092 alleles (0.0071%); highest among the groups gnomAD compares: Non-Finnish European, 0.0095%; no homozygotes.

Submissions (4):

Labcorp Genetics (formerly Invitae), Labcorp
Classification: Uncertain significance for Combined immunodeficiency with skin granulomas; Severe combined immunodeficiency, autosomal recessive, T cell-negative, B cell-negative, NK cell-positive. Last evaluated: 2022-06-04. Review status: criteria provided, single submitter. Criteria: Invitae Variant Classification Sherloc (09022015). Collection method: clinical testing. Allele origin: germline.
Comment: This sequence change replaces threonine, which is neutral and polar, with serine, which is neutral and polar, at codon 403 of the RAG1 protein (p.Thr403Ser). This variant is present in population databases (rs202189218, gnomAD 0.006%). This variant has not been reported in the literature in individuals affected with RAG1-related conditions. ClinVar contains an entry for this variant (Variation ID: 864677). Algorithms developed to predict the effect of missense changes on protein structure and function are either unavailable or do not agree on the potential impact of this missense change (SIFT: "Deleterious"; PolyPhen-2: "Probably Damaging"; Align-GVGD: "Class C0"). In summary, the available evidence is currently insufficient to determine the role of this variant in disease. Therefore, it has been classified as a Variant of Uncertain Significance.

Fulgent Genetics
Classification: Uncertain significance for Combined immunodeficiency with skin granulomas; Severe combined immunodeficiency, autosomal recessive, T cell-negative, B cell-negative, NK cell-positive; Histiocytic medullary reticulosis; Combined immunodeficiency due to partial RAG1 deficiency. Last evaluated: 2022-02-23. Review status: criteria provided, single submitter. Criteria: ACMG Guidelines, 2015. Collection method: clinical testing. Allele origin: unknown.

Illumina Laboratory Services, Illumina
Classification: Uncertain significance for Severe combined immunodeficiency, autosomal recessive, T cell-negative, B cell-negative, NK cell-positive. Last evaluated: 2018-01-12. Review status: criteria provided, single submitter. Criteria: ICSL Variant Classification Criteria 13 December 2019. Collection method: clinical testing. Allele origin: germline.

Illumina Laboratory Services, Illumina
Classification: Uncertain significance for Histiocytic medullary reticulosis. Last evaluated: 2018-01-12. Review status: criteria provided, single submitter. Criteria: ICSL Variant Classification Criteria 13 December 2019. Collection method: clinical testing. Allele origin: germline.

NM_000448.3(RAG1):c.1207A>T (p.Thr403Ser)

Gene: RAG1 (recombination activating 1; plus strand). Cytogenetic location: 11p12.
Variant type: single nucleotide variant.
Coding change: c.1207A>T on transcript NM_000448.3 (MANE Select); coding-DNA position 1207, A replaced by T.
Protein change: p.Thr403Ser; replaces threonine 403 with serine.
Molecular consequence: missense variant.
Genome position (GRCh38, 1-based): chr11:36,574,511, A>T. VCF-style: chr11-36574511-A-T. GRCh37 (hg19) VCF-style: chr11-36596061-A-T.
Other names: c.1207A>T, p.Thr403Ser (NM_001377277.1, NM_001377278.1, NM_001377279.1 and 1 more transcripts); short protein forms T403S.
Identifiers: ClinVar variation 864677 (VCV000864677.11), dbSNP rs202189218, ClinGen allele CA220600867.